The following is an entry in ClinVar:

NM_001035.3(RYR2):c.9680G>C (p.Arg3227Pro)

Gene: RYR2 (ryanodine receptor 2; plus strand). Cytogenetic location: 1q43.
Variant type: single nucleotide variant.
Coding change: c.9680G>C on transcript NM_001035.3 (MANE Select); coding-DNA position 9680, G replaced by C.
Protein change: p.Arg3227Pro; replaces arginine 3227 with proline.
Molecular consequence: missense variant.
Genome position (GRCh38, 1-based): chr1:237,707,048, G>C. VCF-style: chr1-237707048-G-C. GRCh37 (hg19) VCF-style: chr1-237870348-G-C.
Other names: short protein forms R3227P.
Identifiers: ClinVar variation 2695837 (VCV002695837.3), dbSNP rs755897867, ClinGen allele CA345408551.

ClinVar aggregate classification (germline): Uncertain significance (1 of 4 stars; one submission).

Conditions:
Catecholaminergic polymorphic ventricular tachycardia 1. Also called: VENTRICULAR TACHYCARDIA, CATECHOLAMINERGIC POLYMORPHIC, 1, WITH OR WITHOUT ATRIAL DYSFUNCTION AND/OR DILATED CARDIOMYOPATHY; VENTRICULAR TACHYCARDIA, STRESS-INDUCED POLYMORPHIC 1; RYR2-Related Catecholaminergic Polymorphic Ventricular Tachycardia. Identifiers: Orphanet 3286, MedGen C1631597, MONDO:0011484, OMIM 604772.

gnomAD v4.1: 1 of 1,613,814 alleles (0.000062%); no homozygotes.

Submission:

Labcorp Genetics (formerly Invitae), Labcorp
Classification: Uncertain significance for Catecholaminergic polymorphic ventricular tachycardia 1. Last evaluated: 2023-11-14. Review status: criteria provided, single submitter. Criteria: Invitae Variant Classification Sherloc (09022015). Collection method: clinical testing. Allele origin: germline.
Comment: This sequence change replaces arginine, which is basic and polar, with proline, which is neutral and non-polar, at codon 3227 of the RYR2 protein (p.Arg3227Pro). This variant is not present in population databases (gnomAD no frequency). This variant has not been reported in the literature in individuals affected with RYR2-related conditions. Advanced modeling of protein sequence and biophysical properties (such as structural, functional, and spatial information, amino acid conservation, physicochemical variation, residue mobility, and thermodynamic stability) performed at Invitae indicates that this missense variant is not expected to disrupt RYR2 protein function with a negative predictive value of 95%. In summary, the available evidence is currently insufficient to determine the role of this variant in disease. Therefore, it has been classified as a Variant of Uncertain Significance.